The following is an entry in ClinVar:

NM_000540.3(RYR1):c.1600A>G (p.Ser534Gly)

Gene: RYR1 (ryanodine receptor 1; plus strand). Cytogenetic location: 19q13.2.
Variant type: single nucleotide variant.
Coding change: c.1600A>G on transcript NM_000540.3 (MANE Select); coding-DNA position 1600, A replaced by G.
Protein change: p.Ser534Gly; replaces serine 534 with glycine.
Molecular consequence: missense variant.
Genome position (GRCh38, 1-based): chr19:38,455,474, A>G. VCF-style: chr19-38455474-A-G. GRCh37 (hg19) VCF-style: chr19-38946114-A-G.
Other names: c.1600A>G, p.Ser534Gly (NM_001042723.2); short protein forms S534G.
Identifiers: ClinVar variation 3075268 (VCV003075268.1), dbSNP rs2514026848, ClinGen allele CA405689748.

ClinVar aggregate classification (germline): Uncertain significance (1 of 4 stars; one submission).

Conditions:
Malignant hyperthermia, susceptibility to, 1 (MHS1). Also called: Anesthesia related hyperthermia; Malignant hyperpyrexia; Fulminating hyperpyrexia; Pharmacogenic myopathy; RYR1-Related Malignant Hyperthermia Susceptibility; Malignant hyperthermia suceptibility 1. Identifiers: Orphanet 423, MedGen C2930980, MONDO:0007783, OMIM 145600.

Submission:

All of Us Research Program, National Institutes of Health
Classification: Uncertain significance for Malignant hyperthermia, susceptibility to, 1. Last evaluated: 2024-01-03. Review status: criteria provided, single submitter. Criteria: ACMG Guidelines, 2015. Collection method: clinical testing. Allele origin: germline. Inheritance: Autosomal dominant inheritance. Observed: 1 variant allele, 1 heterozygote.
Comment: This missense variant replaces serine with glycine at codon 534 of the RYR1 protein. Computational prediction suggests that this variant may not impact protein structure and function (internally defined REVEL score threshold <= 0.5, PMID: 27666373). To our knowledge, functional studies have not been reported for this variant. This variant has not been reported in individuals affected with RYR1-related disorders in the literature. This variant has not been identified in the general population by the Genome Aggregation Database (gnomAD). The available evidence is insufficient to determine the role of this variant in disease conclusively. Therefore, this variant is classified as a Variant of Uncertain Significance.

This study involves interpretation of variants in research participants for the purpose of population health screening. Participant phenotype was not available at the time of variant classification. Additional details can be found in publication PMID: 35346344, PMCID: PMC8962531